The following is an entry in ClinVar:

NM_000257.4(MYH7):c.4763G>C (p.Arg1588Pro)

Genes: MHRT (myosin heavy chain associated RNA transcript; plus strand), MYH7 (myosin heavy chain 7; minus strand), LOC126861897 (BRD4-independent group 4 enhancer GRCh37_chr14:23884455-23885654; plus strand). Cytogenetic location: 14q11.2.
Variant type: single nucleotide variant.
Coding change: c.4763G>C on transcript NM_000257.4 (MANE Select); coding-DNA position 4763, G replaced by C.
Protein change: p.Arg1588Pro; replaces arginine 1588 with proline.
Molecular consequence: missense variant. On other transcripts: non-coding transcript variant (1).
Genome position (GRCh38, 1-based): chr14:23,416,194, C>G on the plus strand (G>C on the coding strand, the complement: MYH7 is on the minus strand). VCF-style: chr14-23416194-C-G. GRCh37 (hg19) VCF-style: chr14-23885403-C-G.
Other names: c.4763G>C (NM_000257.2); short protein forms R1588P.
Identifiers: ClinVar variation 3252628 (VCV003252628.1), dbSNP rs797044600.

ClinVar aggregate classification (germline): Likely pathogenic (1 of 4 stars; one submission).

Submission:

GeneDx
Classification: Likely pathogenic. Last evaluated: 2023-08-16. Review status: criteria provided, single submitter. Criteria: GeneDx Variant Classification Process June 2021. Collection method: clinical testing. Allele origin: germline. Affected: yes.
Comment: Not observed at significant frequency in large population cohorts (gnomAD); In silico analysis supports that this missense variant has a deleterious effect on protein structure/function; This variant is associated with the following publications: (PMID: 22784669)